The following is an entry in ClinVar:

NM_001384910.1(GUCA1A):c.*76C>A

Genes: GUCA1ANB-GUCA1A (GUCA1ANB-GUCA1A readthrough; plus strand), GUCA1A (guanylate cyclase activator 1A; plus strand). Cytogenetic location: 6p21.1.
Variant type: single nucleotide variant.
Coding change: c.*76C>A on transcript NM_001384910.1 (MANE Select); 76 bases downstream of the stop codon, C replaced by A.
Molecular consequence: 3 prime UTR variant.
Genome position (GRCh38, 1-based): chr6:42,179,479, C>A. VCF-style: chr6-42179479-C-A. GRCh37 (hg19) VCF-style: chr6-42147217-C-A.
Other names: c.*76C>A (NM_000409.5, NM_001319061.2, NM_001319062.2).
Identifiers: ClinVar variation 356693 (VCV000356693.8), dbSNP rs76792280, ClinGen allele CA10626791.

ClinVar aggregate classification (germline): Likely benign. Review status: criteria provided, multiple submitters, no conflicts (2 of 4 stars). 2 submissions from 2 submitters: Likely benign (2). Last evaluated 2018-07-05.

Conditions:
Cone dystrophy 3 (COD3). Also called: RETINAL CONE DYSTROPHY. Identifiers: Orphanet 1872, MedGen C1865869, MONDO:0011193, OMIM 602093.

Allele frequency attached by ClinVar (database versions not stated): gnomAD exomes 0.00102; gnomAD 0.01052 and 0.01120; TOPMed 0.01170; 1000 Genomes Project 0.01298; 1000 Genomes Project 30x 0.01390.
gnomAD v4.1: 2,775 of 1,240,662 alleles (0.22%); highest among the groups gnomAD compares: African/African-American, 3.7%; 51 homozygotes.

Submissions (2):

GeneDx
Classification: Likely benign. Last evaluated: 2018-07-05. Review status: criteria provided, single submitter. Criteria: GeneDx Variant Classification Process June 2021. Collection method: clinical testing. Allele origin: germline. Affected: yes.

Illumina Laboratory Services, Illumina
Classification: Likely benign for Cone dystrophy 3. Last evaluated: 2018-01-13. Review status: criteria provided, single submitter. Criteria: ICSL Variant Classification Criteria 13 December 2019. Collection method: clinical testing. Allele origin: germline.
Comment: This variant was observed in the ICSL laboratory as part of a predisposition screen in an ostensibly healthy population. It had not been previously curated by ICSL or reported in the Human Gene Mutation Database (HGMD: prior to June 1st, 2018), and was therefore a candidate for classification through an automated scoring system. Utilizing variant allele frequency, disease prevalence and penetrance estimates, and inheritance mode, an automated score was calculated to assess if this variant is too frequent to cause the disease. Based on the score and internal cut-off values, a variant classified as likely benign is not then subjected to further curation. The score for this variant resulted in a classification of likely benign for this disease.